The following is an entry in ClinVar:

NM_030912.3(TRIM8):c.1065G>A (p.Pro355=)

Gene: TRIM8 (tripartite motif containing 8; plus strand). Cytogenetic location: 10q24.32.
Variant type: single nucleotide variant.
Coding change: c.1065G>A on transcript NM_030912.3 (MANE Select); coding-DNA position 1065, G replaced by A.
Protein change: p.Pro355=; no amino-acid change (proline 355 retained).
Molecular consequence: synonymous variant. On other transcripts: non-coding transcript variant (1).
Genome position (GRCh38, 1-based): chr10:102,656,763, G>A. VCF-style: chr10-102656763-G-A. GRCh37 (hg19) VCF-style: chr10-104416520-G-A.
Other names: c.969G>A, p.Pro323= (NM_001345950.1).
Identifiers: ClinVar variation 2158154 (VCV002158154.10), dbSNP rs367845188, ClinGen allele CA5668259.

ClinVar aggregate classification (germline): Likely benign. Review status: criteria provided, multiple submitters, no conflicts (2 of 4 stars). 3 submissions from 3 submitters: Likely benign (3). Last evaluated 2025-12-01.

Allele frequency attached by ClinVar (database versions not stated): ExAC 0.00006; gnomAD 0.00009; gnomAD exomes 0.00009; TOPMed 0.00013; ESP Exome Variant Server 0.00015.
gnomAD v4.1: 151 of 1,511,498 alleles (0.01%); highest among the groups gnomAD compares: Admixed American, 0.019%; no homozygotes.

Submissions (3):

CeGaT Center for Human Genetics Tuebingen
Classification: Likely benign. Last evaluated: 2025-12-01. Review status: criteria provided, single submitter. Criteria: CeGaT Center For Human Genetics Tuebingen Variant Classification Criteria Version 2. Collection method: clinical testing. Allele origin: germline. Affected: yes. Observed: 1 variant allele.
Comment: TRIM8: BP4

Labcorp Genetics (formerly Invitae), Labcorp
Classification: Likely benign. Last evaluated: 2025-08-25. Review status: criteria provided, single submitter. Criteria: Invitae Variant Classification Sherloc (09022015). Collection method: clinical testing. Allele origin: germline.

Blueprint Genetics
Classification: Likely benign. Last evaluated: 2022-12-16. Review status: criteria provided, single submitter. Criteria: ACMG Guidelines, 2015. Collection method: clinical testing. Allele origin: germline.